The following is an entry in ClinVar:

ClinVar aggregate classification (germline): Conflicting classifications of pathogenicity. Review status: criteria provided, conflicting classifications (1 of 4 stars). 2 submissions from 2 submitters: Uncertain significance (1); Likely benign (1). Last evaluated 2026-07-01.

Allele frequency attached by ClinVar (database versions not stated): TOPMed below 0.00001; gnomAD 0.00001.

Submissions (2):

CeGaT Center for Human Genetics Tuebingen
Classification: Likely benign. Last evaluated: 2026-07-01. Review status: criteria provided, single submitter. Criteria: CeGaT Center For Human Genetics Tuebingen Variant Classification Criteria Version 2. Collection method: clinical testing. Allele origin: germline. Affected: yes. Observed: 1 variant allele.
Comment: KMT2B: PM2, BS2

Labcorp Genetics (formerly Invitae), Labcorp
Classification: Uncertain significance. Last evaluated: 2023-12-09. Review status: criteria provided, single submitter. Criteria: Invitae Variant Classification Sherloc (09022015). Collection method: clinical testing. Allele origin: germline.
Comment: This sequence change replaces methionine, which is neutral and non-polar, with isoleucine, which is neutral and non-polar, at codon 529 of the KMT2B protein (p.Met529Ile). This variant is not present in population databases (gnomAD no frequency). This variant has not been reported in the literature in individuals affected with KMT2B-related conditions. ClinVar contains an entry for this variant (Variation ID: 2154045). Advanced modeling of protein sequence and biophysical properties (such as structural, functional, and spatial information, amino acid conservation, physicochemical variation, residue mobility, and thermodynamic stability) performed at Invitae indicates that this missense variant is not expected to disrupt KMT2B protein function with a negative predictive value of 80%. In summary, the available evidence is currently insufficient to determine the role of this variant in disease. Therefore, it has been classified as a Variant of Uncertain Significance.

NM_014727.3(KMT2B):c.1587G>T (p.Met529Ile)

Gene: KMT2B (lysine methyltransferase 2B; plus strand). Cytogenetic location: 19q13.12.
Variant type: single nucleotide variant.
Coding change: c.1587G>T on transcript NM_014727.3 (MANE Select); coding-DNA position 1587, G replaced by T.
Protein change: p.Met529Ile; replaces methionine 529 with isoleucine.
Molecular consequence: missense variant.
Genome position (GRCh38, 1-based): chr19:35,720,934, G>T. VCF-style: chr19-35720934-G-T. GRCh37 (hg19) VCF-style: chr19-36211836-G-T.
Other names: short protein forms M529I.
Identifiers: ClinVar variation 2154045 (VCV002154045.5), dbSNP rs755199038, ClinGen allele CA405392244.